The following is an entry in ClinVar:

ClinVar aggregate classification (germline): Uncertain significance (1 of 4 stars; one submission).

Submission:

Labcorp Genetics (formerly Invitae), Labcorp
Classification: Uncertain significance. Last evaluated: 2025-12-03. Review status: criteria provided, single submitter. Criteria: Invitae Variant Classification Sherloc (09022015). Collection method: clinical testing. Allele origin: germline.
Comment: This sequence change falls in intron 1 of the SSR4 gene. It does not directly change the encoded amino acid sequence of the SSR4 protein. It affects a nucleotide within the consensus splice site. This variant is not present in population databases (gnomAD no frequency). This variant has not been reported in the literature in individuals affected with SSR4-related conditions. Variants that disrupt the consensus splice site are a relatively common cause of aberrant splicing (PMID: 17576681, 9536098). Algorithms developed to predict the effect of sequence changes on RNA splicing suggest that this variant is not likely to affect RNA splicing. In summary, the available evidence is currently insufficient to determine the role of this variant in disease. Therefore, it has been classified as a Variant of Uncertain Significance.

Literature cited by the submitters: PubMed 17576681; PubMed 9536098.

NC_000023.11:g.153794589C>T

Gene: SSR4 (signal sequence receptor subunit 4; plus strand). Cytogenetic location: Xq28.
Variant type: single nucleotide variant.
Molecular consequence: intron variant (on NM_001440796.1).
Genome position: GRCh38 VCF-style: chrX-153794589-C-T. GRCh37 (hg19) VCF-style: chrX-153060044-C-T.
Other names: c.-14-85C>T (NM_001440796.1); c.68-85C>T (NM_001440795.1); c.11-85C>T (NM_001204527.2); c.19+4C>T (NM_001204526.2).
Identifiers: ClinVar variation 4732549 (VCV004732549.1).
Genomic context (GRCh38, chrX:153,794,589, plus strand): 5'-CAGGGAGGGGCCACGTCAGTGCTGCCAGAGACGTCACAATGCCGGCCCAGCCGTTCGGTG[C>T]GCGATTGGCTGCCGCTGCCACTTACGCGTCGCTCTTCCTCGTTTGCCCCTCGTGTTCATG-3'